The following is an entry in ClinVar:

ClinVar aggregate classification (germline): Likely benign (1 of 4 stars; one submission).

gnomAD v4.1: 21 of 1,614,070 alleles (0.0013%); highest among the groups gnomAD compares: Admixed American, 0.0083%; no homozygotes.

Submission:

CeGaT Center for Human Genetics Tuebingen
Classification: Likely benign. Last evaluated: 2026-08-01. Review status: criteria provided, single submitter. Criteria: CeGaT Center For Human Genetics Tuebingen Variant Classification Criteria Version 2. Collection method: clinical testing. Allele origin: germline. Affected: yes. Observed: 1 variant allele.
Comment: WDFY3: BP4, BP7

NM_014991.6(WDFY3):c.8802T>C (p.Leu2934=)

Gene: WDFY3 (WD repeat and FYVE domain containing 3; minus strand). Cytogenetic location: 4q21.23.
Variant type: single nucleotide variant.
Coding change: c.8802T>C on transcript NM_014991.6 (MANE Select); coding-DNA position 8802, T replaced by C.
Protein change: p.Leu2934=; no amino-acid change (leucine 2934 retained).
Molecular consequence: synonymous variant.
Genome position (GRCh38, 1-based): chr4:84,696,069, A>G on the plus strand (T>C on the coding strand, the complement: WDFY3 is on the minus strand). VCF-style: chr4-84696069-A-G. GRCh37 (hg19) VCF-style: chr4-85617222-A-G.
Identifiers: ClinVar variation 5038850 (VCV005038850.1).